The following is an entry in ClinVar:

NM_001201543.2(FAM161A):c.1088C>T (p.Ser363Phe)

Gene: FAM161A (FAM161 centrosomal protein A; minus strand). Cytogenetic location: 2p15.
Variant type: single nucleotide variant.
Coding change: c.1088C>T on transcript NM_001201543.2 (MANE Select); coding-DNA position 1088, C replaced by T.
Protein change: p.Ser363Phe; replaces serine 363 with phenylalanine.
Molecular consequence: missense variant. On other transcripts: non-coding transcript variant (1).
Genome position (GRCh38, 1-based): chr2:61,839,916, G>A on the plus strand (C>T on the coding strand, the complement: FAM161A is on the minus strand). VCF-style: chr2-61839916-G-A. GRCh37 (hg19) VCF-style: chr2-62067051-G-A.
Other names: c.1088C>T (NM_001201543.1); c.1088C>T, p.Ser363Phe (NM_032180.3); short protein forms S363F.
Identifiers: ClinVar variation 2158932 (VCV002158932.4), dbSNP rs374178531, ClinGen allele CA1679216.
Genomic context (GRCh38, chr2:61,839,916, plus strand): 5'-CTAAGGTTTCGATAGAGCTCTTCTTCTTTTAACTTGTCATTGGTAGTTGAACCATAAGTA[G>A]ATCGAGGAATGGGTCTGGCTTTAAATCGATTTGTTTTCTTTTTATACTTAAGAAAGTCTC-3'
Protein context (NP_001188472.1, residues 353-373): NRFKARPIPR[Ser363Phe]TYGSTTNDKL

ClinVar aggregate classification (germline): Uncertain significance. Review status: criteria provided, multiple submitters, no conflicts (2 of 4 stars). 3 submissions from 3 submitters: Uncertain significance (3). Last evaluated 2025-09-10.

Conditions:
Inborn genetic diseases. Identifiers: MedGen C0950123, MeSH D030342.

Allele frequency attached by ClinVar (database versions not stated): gnomAD 0.00002; ExAC 0.00004; ESP Exome Variant Server 0.00008.
gnomAD v4.1: 52 of 1,614,078 alleles (0.0032%); highest among the groups gnomAD compares: Non-Finnish European, 0.0042%; no homozygotes.

Submissions (3):

Ambry Genetics
Classification: Uncertain significance for Inborn genetic diseases. Last evaluated: 2025-09-10. Review status: criteria provided, single submitter. Criteria: Ambry Variant Classification Scheme 2023. Collection method: clinical testing. Allele origin: germline.

Labcorp Genetics (formerly Invitae), Labcorp
Classification: Uncertain significance. Last evaluated: 2024-01-15. Review status: criteria provided, single submitter. Criteria: Invitae Variant Classification Sherloc (09022015). Collection method: clinical testing. Allele origin: germline.
Comment: This sequence change replaces serine, which is neutral and polar, with phenylalanine, which is neutral and non-polar, at codon 363 of the FAM161A protein (p.Ser363Phe). This variant is present in population databases (rs374178531, gnomAD 0.007%). This variant has not been reported in the literature in individuals affected with FAM161A-related conditions. ClinVar contains an entry for this variant (Variation ID: 2158932). Advanced modeling of protein sequence and biophysical properties (such as structural, functional, and spatial information, amino acid conservation, physicochemical variation, residue mobility, and thermodynamic stability) performed at Invitae indicates that this missense variant is not expected to disrupt FAM161A protein function with a negative predictive value of 80%. In summary, the available evidence is currently insufficient to determine the role of this variant in disease. Therefore, it has been classified as a Variant of Uncertain Significance.

Blueprint Genetics
Classification: Uncertain significance. Last evaluated: 2021-10-11. Review status: criteria provided, single submitter. Criteria: ACMG Guidelines, 2015. Collection method: clinical testing. Allele origin: germline.